The following is an entry in ClinVar:

ClinVar aggregate classification (germline): Pathogenic/Likely pathogenic. Review status: criteria provided, multiple submitters, no conflicts (2 of 4 stars). 3 submissions from 3 submitters: Pathogenic (1); Likely pathogenic (1). 1 of the submissions does not count toward it. Last evaluated 2024-09-03.

Conditions:
Charcot-Marie-Tooth disease axonal type 2T. Identifiers: Orphanet 443950, MedGen C4015635, OMIM 617017, MONDO:0014866.

gnomAD v4.1: 35 of 1,610,480 alleles (0.0022%); highest among the groups gnomAD compares: Non-Finnish European, 0.003%; no homozygotes.

Submissions (3):

Labcorp Genetics (formerly Invitae), Labcorp
Classification: Pathogenic. Last evaluated: 2024-09-03. Review status: criteria provided, single submitter. Criteria: Invitae Variant Classification Sherloc (09022015). Collection method: clinical testing. Allele origin: germline.
Comment: This sequence change creates a premature translational stop signal (p.Gln684*) in the MME gene. It is expected to result in an absent or disrupted protein product. Loss-of-function variants in MME are known to be pathogenic (PMID: 26991897). This variant is present in population databases (rs200678412, gnomAD 0.007%). This premature translational stop signal has been observed in individual(s) with Charcot-Marie-Tooth disease (PMID: 33144514). ClinVar contains an entry for this variant (Variation ID: 1184498). Algorithms developed to predict the effect of sequence changes on RNA splicing suggest that this variant may disrupt the consensus splice site. For these reasons, this variant has been classified as Pathogenic.

GeneDx
Classification: Likely pathogenic. Last evaluated: 2022-11-08. Review status: criteria provided, single submitter. Criteria: GeneDx Variant Classification Process June 2021. Collection method: clinical testing. Allele origin: germline. Affected: yes.
Comment: Nonsense variant predicted to result in protein truncation or nonsense mediated decay in a gene for which loss of function is a known mechanism of disease; This variant is associated with the following publications: (PMID: 34758253, 33144514)

Genomics England Pilot Project, Genomics England
Classification: Likely pathogenic for Charcot-Marie-Tooth disease axonal type 2T. Review status: no assertion criteria provided. Criteria: ACGS Guidelines, 2016. Collection method: clinical testing. Allele origin: germline. Affected: yes. Not counted in ClinVar's aggregate classification.

Literature cited by the submitters: PubMed 26991897 (cited by Labcorp Genetics (formerly Invitae), Labcorp); PubMed 33144514 (cited by Labcorp Genetics (formerly Invitae), Labcorp).

NM_007289.4(MME):c.2050C>T (p.Gln684Ter)

Gene: MME (membrane metalloendopeptidase; plus strand). Cytogenetic location: 3q25.2.
Variant type: single nucleotide variant.
Coding change: c.2050C>T on transcript NM_007289.4 (MANE Select); coding-DNA position 2050, C replaced by T.
Protein change: p.Gln684Ter; replaces glutamine 684 with a stop codon.
Molecular consequence: nonsense.
Genome position (GRCh38, 1-based): chr3:155,172,186, C>T. VCF-style: chr3-155172186-C-T. GRCh37 (hg19) VCF-style: chr3-154889975-C-T.
Other names: c.2050C>T, p.Gln684Ter (NM_000902.5, NM_001354642.2, NM_001354643.1 and 2 more transcripts); c.2050C>T (NM_007289.2); short protein forms Q684*.
Identifiers: ClinVar variation 1184498 (VCV001184498.10), dbSNP rs200678412, ClinGen allele CA86316113.